The following is an entry in ClinVar:

NM_000038.6(APC):c.1880dup (p.Asn627fs)

Gene: APC (APC regulator of Wnt signaling pathway; plus strand). Cytogenetic location: 5q22.2.
Variant type: Duplication.
Coding change: c.1880dup on transcript NM_000038.6 (MANE Select); coding-DNA position 1880, one base duplicated (A; older notation c.1880dupA).
Protein change: p.Asn627fs; shifts the reading frame from asparagine 627.
Molecular consequence: frameshift variant.
Genome position (GRCh38, 1-based): chr5:112,835,087, A duplicated; the last of 3 consecutive A bases (chr5:112,835,085-112,835,087); duplicating any one gives the same sequence. VCF-style (leftmost placement, unchanged base first): chr5-112835084-C-CA. GRCh37 (hg19) VCF-style: chr5-112170781-C-CA.
Other names: c.1880dup, p.Asn627fs (NM_001127510.3, NM_001354895.2); c.1826dup, p.Asn609fs (NM_001127511.3); c.1934dup, p.Asn645fs (NM_001354896.2); c.1910dup, p.Asn637fs (NM_001354897.2); c.1805dup, p.Asn602fs (NM_001354898.2); c.1796dup, p.Asn599fs (NM_001354899.2); c.1757dup, p.Asn586fs (NM_001354900.2); c.1703dup, p.Asn568fs (NM_001354901.2); and 16 more; short protein forms N586fs, N602fs, N609fs, N645fs, N467fs, N568fs, N599fs, N344fs.
Identifiers: ClinVar variation 1781886 (VCV001781886.9), dbSNP rs2533339978, ClinGen allele CA658760610.

ClinVar aggregate classification (germline): Pathogenic. Review status: criteria provided, multiple submitters, no conflicts (2 of 4 stars). 4 submissions from 4 submitters: Pathogenic (4). Last evaluated 2026-07-24.

Conditions:
Hereditary cancer-predisposing syndrome. Also called: Hereditary Cancer Syndrome; Hereditary neoplastic syndrome; Neoplastic Syndromes, Hereditary; Tumor predisposition. Identifiers: Orphanet 140162, MedGen C0027672, MeSH D009386, MONDO:0015356.
Familial adenomatous polyposis 1 (FAP1). Also called: FAMILIAL ADENOMATOUS POLYPOSIS 1, ATTENUATED; POLYPOSIS, ADENOMATOUS INTESTINAL. Identifiers: MedGen C2713442, MONDO:0021056, OMIM 175100. Disease mechanism: loss of function.

Submissions (4):

Ambry Genetics
Classification: Pathogenic for Hereditary cancer-predisposing syndrome. Last evaluated: 2026-07-24. Review status: criteria provided, single submitter. Criteria: Ambry Variant Classification Scheme 2023. Collection method: clinical testing. Allele origin: germline.
Comment: The c.1880dupA pathogenic mutation, located in coding exon 14 of the APC gene, results from a duplication of A at nucleotide position 1880, causing a translational frameshift with a predicted alternate stop codon (p.N627Kfs*7). This variant was reported in individual(s) with features consistent with APC-related familial adenomatous polyposis (Su LK et al. Hum. Genet. 2000 Jan; 106(1):101-7). This variant is considered to be rare based on population cohorts in the Genome Aggregation Database (gnomAD). This alteration is expected to result in loss of function by premature protein truncation or nonsense-mediated mRNA decay. As such, this alteration is interpreted as a disease-causing mutation.

Labcorp Genetics (formerly Invitae), Labcorp
Classification: Pathogenic for Familial adenomatous polyposis 1. Last evaluated: 2024-08-14. Review status: criteria provided, single submitter. Criteria: Invitae Variant Classification Sherloc (09022015). Collection method: clinical testing. Allele origin: germline.
Comment: This sequence change creates a premature translational stop signal (p.Asn627Lysfs*7) in the APC gene. It is expected to result in an absent or disrupted protein product. Loss-of-function variants in APC are known to be pathogenic (PMID: 17963004, 20685668). This variant is not present in population databases (gnomAD no frequency). This premature translational stop signal has been observed in individual(s) with APC-related conditions (PMID: 10982189). ClinVar contains an entry for this variant (Variation ID: 1781886). Algorithms developed to predict the effect of sequence changes on RNA splicing suggest that this variant may disrupt the consensus splice site. For these reasons, this variant has been classified as Pathogenic.

Myriad Genetics, Inc.
Classification: Pathogenic for Familial adenomatous polyposis 1. Last evaluated: 2023-05-03. Review status: criteria provided, single submitter. Criteria: Myriad Autosomal Dominant, Autosomal Recessive and X-Linked Classification Criteria (2023). Collection method: clinical testing. Allele origin: unknown.
Comment: This variant is considered pathogenic. This variant creates a frameshift predicted to result in premature protein truncation.

Baylor Genetics
Classification: Pathogenic for Familial adenomatous polyposis 1. Last evaluated: 2022-04-11. Review status: criteria provided, single submitter. Criteria: ACMG Guidelines, 2015. Collection method: clinical testing. Allele origin: unknown.

Literature cited by the submitters: PubMed 10982189 (cited by Ambry Genetics and Labcorp Genetics (formerly Invitae), Labcorp); PubMed 17963004 (cited by Labcorp Genetics (formerly Invitae), Labcorp); PubMed 20685668 (cited by Labcorp Genetics (formerly Invitae), Labcorp).